The following is an entry in ClinVar:

ClinVar aggregate classification (germline): Pathogenic. Review status: criteria provided, multiple submitters, no conflicts (2 of 4 stars). 2 submissions from 2 submitters: Pathogenic (2). Last evaluated 2024-05-08.

Conditions:
Multiple sulfatase deficiency (MSD). Also called: Mucosulfatidosis; Multiple Sulfatase Deficiency Disease; Sulfatidosis, Juvenile, Austin Type. Identifiers: Orphanet 585, MedGen C0268263, MONDO:0010088, OMIM 272200.

Submissions (2):

Myriad Genetics, Inc.
Classification: Pathogenic for Multiple sulfatase deficiency. Last evaluated: 2024-05-08. Review status: criteria provided, single submitter. Criteria: Myriad Autosomal Dominant, Autosomal Recessive and X-Linked Classification Criteria (2023). Collection method: clinical testing. Allele origin: unknown.
Comment: NM_182760.3(SUMF1):c.790G>T(E264*) is expected to be pathogenic in the context of multiple sulfatase deficiency. This variant is predicted to lead to an abnormal or absent protein product due to the creation of a premature termination codon in SUMF1, a gene where loss-of-function variants are known to be pathogenic. Please note: this variant was assessed in the context of healthy population screening.

Labcorp Genetics (formerly Invitae), Labcorp
Classification: Pathogenic for Multiple sulfatase deficiency. Last evaluated: 2022-11-28. Review status: criteria provided, single submitter. Criteria: Invitae Variant Classification Sherloc (09022015). Collection method: clinical testing. Allele origin: germline.
Comment: This variant is not present in population databases (gnomAD no frequency). This sequence change creates a premature translational stop signal (p.Glu264*) in the SUMF1 gene. It is expected to result in an absent or disrupted protein product. Loss-of-function variants in SUMF1 are known to be pathogenic (PMID: 12757705, 12757706, 25885655). This variant has not been reported in the literature in individuals affected with SUMF1-related conditions. ClinVar contains an entry for this variant (Variation ID: 1456418). Algorithms developed to predict the effect of sequence changes on RNA splicing suggest that this variant may disrupt the consensus splice site. For these reasons, this variant has been classified as Pathogenic.

Literature cited by the submitters: PubMed 12757705 (cited by Labcorp Genetics (formerly Invitae), Labcorp); PubMed 12757706 (cited by Labcorp Genetics (formerly Invitae), Labcorp); PubMed 25885655 (cited by Labcorp Genetics (formerly Invitae), Labcorp).

NM_182760.4(SUMF1):c.790G>T (p.Glu264Ter)

Gene: SUMF1 (sulfatase modifying factor 1; minus strand). Cytogenetic location: 3p26.1.
Variant type: single nucleotide variant.
Coding change: c.790G>T on transcript NM_182760.4 (MANE Select); coding-DNA position 790, G replaced by T.
Protein change: p.Glu264Ter; replaces glutamic acid 264 with a stop codon.
Molecular consequence: nonsense.
Genome position (GRCh38, 1-based): chr3:4,417,178, C>A on the plus strand (G>T on the coding strand, the complement: SUMF1 is on the minus strand). VCF-style: chr3-4417178-C-A. GRCh37 (hg19) VCF-style: chr3-4458862-C-A.
Other names: c.715G>T, p.Glu239Ter (NM_001164674.2); c.790G>T, p.Glu264Ter (NM_001164675.2); short protein forms E239*, E264*.
Identifiers: ClinVar variation 1456418 (VCV001456418.7), dbSNP rs754069091, ClinGen allele CA351632072.
Genomic context (GRCh38, chr3:4,417,178, plus strand): 5'-CATTACTCACAGGCGCAGTTCCTTGGAAGCCATCCTCACCAGTGTTGGTCACCGGAAACT[C>A]GCCCTGCCAAATGTTGGCATAATGCTGGCCTTTGGGCTGCAGTTTGTTGCCCCAGGGGAA-3'